The following is an entry in ClinVar:

NM_018942.3(HMX1):c.879A>G (p.Ala293=)

Gene: HMX1 (H6 family homeobox 1; minus strand). Cytogenetic location: 4p16.1.
Variant type: single nucleotide variant.
Coding change: c.879A>G on transcript NM_018942.3 (MANE Select); coding-DNA position 879, A replaced by G.
Protein change: p.Ala293=; no amino-acid change (alanine 293 retained).
Molecular consequence: synonymous variant. On other transcripts: intron variant (1).
Genome position (GRCh38, 1-based): chr4:8,867,861, T>C on the plus strand (A>G on the coding strand, the complement: HMX1 is on the minus strand). VCF-style: chr4-8867861-T-C. GRCh37 (hg19) VCF-style: chr4-8869587-T-C.
Other names: c.394+3360A>G (NM_001306142.2).
Identifiers: ClinVar variation 669515 (VCV000669515.14), dbSNP rs13303225, ClinGen allele CA2854252.

ClinVar aggregate classification (germline): Benign. Review status: criteria provided, multiple submitters, no conflicts (2 of 4 stars). 5 submissions from 5 submitters: Benign (5). Last evaluated 2026-02-04.

Conditions:
Oculoauricular syndrome (OCACS). Also called: MICROPHTHALMIA, MICROCORNEA, ANTERIOR SEGMENT DYSGENESIS, CATARACT, OCULAR COLOBOMA, RETINAL PIGMENT EPITHELIUM ABNORMALITIES, ROD-CONE DYSTROPHY, AND ANOMALIES OF THE EXTERNAL EAR; SCHORDERET-MUNIER-FRANCESCHETTI SYNDROME. Identifiers: Orphanet 157962, MedGen C2677500, MONDO:0012802, OMIM 612109.

Allele frequency attached by ClinVar (database versions not stated): gnomAD exomes 0.86746 and 0.90722; ExAC 0.87671; 1000 Genomes Project 0.91074; 1000 Genomes Project 30x 0.91318; gnomAD 0.91683 and 0.92019; TOPMed 0.92243.
gnomAD v4.1: 1,128,438 of 1,242,644 alleles (91%); highest among the groups gnomAD compares: East Asian, 98%; 512,873 homozygotes.

Submissions (5):

Labcorp Genetics (formerly Invitae), Labcorp
Classification: Benign. Last evaluated: 2026-02-04. Review status: criteria provided, single submitter. Criteria: Invitae Variant Classification Sherloc (09022015). Collection method: clinical testing. Allele origin: germline.

Blueprint Genetics
Classification: Benign. Last evaluated: 2024-11-27. Review status: criteria provided, single submitter. Criteria: ACMG Guidelines, 2015. Collection method: clinical testing. Allele origin: germline.

Genome-Nilou Lab
Classification: Benign for Oculoauricular syndrome. Last evaluated: 2021-08-10. Review status: criteria provided, single submitter. Criteria: ACMG Guidelines, 2015. Collection method: clinical testing. Allele origin: germline. Affected: no.

GeneDx
Classification: Benign. Last evaluated: 2018-03-24. Review status: criteria provided, single submitter. Criteria: GeneDx Variant Classification (06012015). Collection method: clinical testing. Allele origin: germline. Affected: yes.
Comment: This variant is considered likely benign or benign based on one or more of the following criteria: it is a conservative change, it occurs at a poorly conserved position in the protein, it is predicted to be benign by multiple in silico algorithms, and/or has population frequency not consistent with disease.

Breakthrough Genomics
Classification: Benign. Review status: criteria provided, single submitter. Criteria: ACMG Guidelines, 2015. Collection method: not provided. Allele origin: germline. Inheritance: Autosomal recessive inheritance. Affected: yes.